The following is an entry in ClinVar:

NM_002227.4(JAK1):c.1597A>G (p.Thr533Ala)

Gene: JAK1 (Janus kinase 1; minus strand). Cytogenetic location: 1p31.3.
Variant type: single nucleotide variant.
Coding change: c.1597A>G on transcript NM_002227.4 (MANE Select); coding-DNA position 1597, A replaced by G.
Protein change: p.Thr533Ala; replaces threonine 533 with alanine.
Molecular consequence: missense variant.
Genome position (GRCh38, 1-based): chr1:64,855,560, T>C on the plus strand (A>G on the coding strand, the complement: JAK1 is on the minus strand). VCF-style: chr1-64855560-T-C. GRCh37 (hg19) VCF-style: chr1-65321243-T-C.
Other names: c.1597A>G, p.Thr533Ala (NM_001320923.2, NM_001321852.2, NM_001321853.2 and 3 more transcripts); c.1594A>G, p.Thr532Ala (NM_001321857.2); short protein forms T532A, T533A.
Identifiers: ClinVar variation 4744634 (VCV004744634.1).

ClinVar aggregate classification (germline): Uncertain significance (1 of 4 stars; one submission).

Submission:

Labcorp Genetics (formerly Invitae), Labcorp
Classification: Uncertain significance. Last evaluated: 2025-12-21. Review status: criteria provided, single submitter. Criteria: Invitae Variant Classification Sherloc (09022015). Collection method: clinical testing. Allele origin: germline.
Comment: This sequence change replaces threonine, which is neutral and polar, with alanine, which is neutral and non-polar, at codon 533 of the JAK1 protein (p.Thr533Ala). This variant is not present in population databases (gnomAD no frequency). This variant has not been reported in the literature in individuals affected with JAK1-related conditions. Invitae Evidence Modeling of protein sequence and biophysical properties (such as structural, functional, and spatial information, amino acid conservation, physicochemical variation, residue mobility, and thermodynamic stability) indicates that this missense variant is not expected to disrupt JAK1 protein function with a negative predictive value of 80%. In summary, the available evidence is currently insufficient to determine the role of this variant in disease. Therefore, it has been classified as a Variant of Uncertain Significance.